The following is an entry in ClinVar:

ClinVar aggregate classification (germline): Uncertain significance (1 of 4 stars; one submission).

Conditions:
Hereditary cancer-predisposing syndrome. Also called: Neoplastic Syndromes, Hereditary; Tumor predisposition; Hereditary Cancer Syndrome; Hereditary neoplastic syndrome. Identifiers: Orphanet 140162, MedGen C0027672, MeSH D009386, MONDO:0015356.

Submission:

Ambry Genetics
Classification: Uncertain significance for Hereditary cancer-predisposing syndrome. Last evaluated: 2017-11-14. Review status: criteria provided, single submitter. Criteria: Ambry Variant Classification Scheme 2023. Collection method: clinical testing. Allele origin: germline.
Comment: The p.N982Y variant (also known as c.2944A>T), located in coding exon 17 of the DICER1 gene, results from an A to T substitution at nucleotide position 2944. The asparagine at codon 982 is replaced by tyrosine, an amino acid with dissimilar properties. This amino acid position is highly conserved in available vertebrate species. In addition, the in silico prediction for this alteration is inconclusive. Since supporting evidence is limited at this time, the clinical significance of this alteration remains unclear.

NM_177438.3(DICER1):c.2944A>T (p.Asn982Tyr)

Gene: DICER1 (dicer 1, ribonuclease III; minus strand). Cytogenetic location: 14q32.13.
Variant type: single nucleotide variant.
Coding change: c.2944A>T on transcript NM_177438.3 (MANE Select); coding-DNA position 2944, A replaced by T.
Protein change: p.Asn982Tyr; replaces asparagine 982 with tyrosine.
Molecular consequence: missense variant. On other transcripts: non-coding transcript variant (6).
Genome position (GRCh38, 1-based): chr14:95,106,084, T>A on the plus strand (A>T on the coding strand, the complement: DICER1 is on the minus strand). VCF-style: chr14-95106084-T-A. GRCh37 (hg19) VCF-style: chr14-95572421-T-A.
Other names: c.2944A>T, p.Asn982Tyr (NM_001195573.1, NM_001271282.3, NM_001291628.2 and 13 more transcripts); c.2662A>T, p.Asn888Tyr (NM_001395686.1); c.2539A>T, p.Asn847Tyr (NM_001395687.1, NM_001395688.1, NM_001395689.1 and 2 more transcripts); c.2377A>T, p.Asn793Tyr (NM_001395691.1); c.1261A>T, p.Asn421Tyr (NM_001395697.1); short protein forms N421Y, N793Y, N888Y, N847Y, N982Y.
Identifiers: ClinVar variation 1797952 (VCV001797952.2), dbSNP rs2542786223, ClinGen allele CA390878892.
Genomic context (GRCh38, chr14:95,106,084, plus strand): 5'-TCTCTGAAGCCCCTTACCTTGAAGATGTGTGGTCCACATCCAGCAGTGGCTGGTTGAGAT[T>A]GGTTAGGTCAAGGTTGTACTTTGTTTTATAATATTCTGCAAAAGTTTCATACTCAGGGGA-3'
Protein context (NP_803187.1, residues 972-992): YKTKYNLDLT[Asn982Tyr]LNQPLLDVDH